The following is an entry in ClinVar:

NM_013275.6(ANKRD11):c.2845C>T (p.Arg949Trp)

Gene: ANKRD11 (ankyrin repeat domain 11; minus strand). Cytogenetic location: 16q24.3.
Variant type: single nucleotide variant.
Coding change: c.2845C>T on transcript NM_013275.6 (MANE Select); coding-DNA position 2845, C replaced by T.
Protein change: p.Arg949Trp; replaces arginine 949 with tryptophan.
Molecular consequence: missense variant.
Genome position (GRCh38, 1-based): chr16:89,283,697, G>A on the plus strand (C>T on the coding strand, the complement: ANKRD11 is on the minus strand). VCF-style: chr16-89283697-G-A. GRCh37 (hg19) VCF-style: chr16-89350105-G-A.
Other names: c.2845C>T (NM_013275.5); c.2845C>T, p.Arg949Trp (NM_001256182.2, NM_001256183.2); short protein forms R949W.
Identifiers: ClinVar variation 2912047 (VCV002912047.4), dbSNP rs368593056, ClinGen allele CA8242499.

ClinVar aggregate classification (germline): Uncertain significance. Review status: criteria provided, multiple submitters, no conflicts (2 of 4 stars). 2 submissions from 2 submitters: Uncertain significance (2). Last evaluated 2026-04-06.

Conditions:
KBG syndrome (KBGS). Also called: ANKRD11-Related KBG Syndrome. Identifiers: Orphanet 2332, MedGen C0220687, MONDO:0007846, OMIM 148050.
ANKRD11-related disorder. Also called: ANKRD11-related condition.

Allele frequency attached by ClinVar (database versions not stated): ExAC 0.00003; TOPMed 0.00004; gnomAD 0.00005; ESP Exome Variant Server 0.00008.
gnomAD v4.1: 26 of 1,613,084 alleles (0.0016%); highest among the groups gnomAD compares: African/African-American, 0.0093%; no homozygotes.

Submissions (2):

PreventionGenetics, part of Exact Sciences
Classification: Uncertain significance for ANKRD11-related condition. Last evaluated: 2026-04-06. Review status: criteria provided, single submitter. Criteria: ACMG Guidelines, 2015. Collection method: clinical testing. Allele origin: germline.
Comment: The ANKRD11 c.2845C>T variant is predicted to result in the amino acid substitution p.Arg949Trp. To our knowledge, this variant has not been reported in the literature. This variant is reported in 0.0062% of alleles in individuals of African descent in gnomAD. At this time, the clinical significance of this variant is uncertain due to the absence of conclusive functional and genetic evidence.

Labcorp Genetics (formerly Invitae), Labcorp
Classification: Uncertain significance for KBG syndrome. Last evaluated: 2024-03-01. Review status: criteria provided, single submitter. Criteria: Invitae Variant Classification Sherloc (09022015). Collection method: clinical testing. Allele origin: germline.
Comment: This sequence change replaces arginine, which is basic and polar, with tryptophan, which is neutral and slightly polar, at codon 949 of the ANKRD11 protein (p.Arg949Trp). This variant is present in population databases (rs368593056, gnomAD 0.007%). This variant has not been reported in the literature in individuals affected with ANKRD11-related conditions. Advanced modeling of protein sequence and biophysical properties (such as structural, functional, and spatial information, amino acid conservation, physicochemical variation, residue mobility, and thermodynamic stability) performed at Invitae indicates that this missense variant is not expected to disrupt ANKRD11 protein function with a negative predictive value of 95%. In summary, the available evidence is currently insufficient to determine the role of this variant in disease. Therefore, it has been classified as a Variant of Uncertain Significance.